The following is an entry in ClinVar:

NM_000168.6(GLI3):c.4016dup (p.Gly1341fs)

Gene: GLI3 (GLI family zinc finger 3; minus strand). Cytogenetic location: 7p14.1.
Variant type: Duplication.
Coding change: c.4016dup on transcript NM_000168.6 (MANE Select); coding-DNA position 4016, one base duplicated (G; older notation c.4016dupG).
Protein change: p.Gly1341fs; shifts the reading frame from glycine 1341.
Molecular consequence: frameshift variant.
Genome position (GRCh38, 1-based): chr7:41,965,057, C duplicated on the plus strand (G on the coding strand, the reverse complement: GLI3 is on the minus strand). VCF-style (leftmost placement, unchanged base first): chr7-41965056-G-GC. GRCh37 (hg19) VCF-style: chr7-42004654-G-GC.
Other names: NP_000159.3:p.(Gly1341ArgfsTer9); short protein forms G1341fs.
Identifiers: ClinVar variation 4852533 (VCV004852533.1).

ClinVar aggregate classification (germline): Likely pathogenic (1 of 4 stars; one submission).

Conditions:
Greig cephalopolysyndactyly syndrome (GCPS). Also called: GLI3-Related Greig Cephalopolysyndactyly Syndrome; POLYSYNDACTYLY WITH PECULIAR SKULL SHAPE; Greig syndrome. Identifiers: Orphanet 380, MedGen C0265306, MONDO:0008287, OMIM 175700.

Submission:

Centro de Investigaciones Endocrinológicas “Dr. César Bergadá” (CEDIE), Unidad de Investigacion Traslacional (UIT), Hospital de Niños Dr. Ricardo Gutiérrez
Classification: Likely pathogenic for Greig cephalopolysyndactyly syndrome. Last evaluated: 2026-05-08. Review status: criteria provided, single submitter. Criteria: Institutional Variant Interpretation Framework ClinVar CEDIE Version 1. Collection method: clinical testing. Allele origin: maternal, germline. Inheritance: Autosomal dominant inheritance. Affected: yes. Observed: 2 variant alleles, 2 heterozygotes. Clinical features observed: Postaxial hand polydactyly (HP:0001162), Postaxial foot polydactyly (HP:0001830), Macrocephaly (HP:0000256), Neurodevelopmental delay (HP:0012758), Cryptorchidism (HP:0000028), Hypertelorism (HP:0000316).
Comment: GLI3 encodes a zinc finger transcription factor that functions as a key mediator of the Hedgehog signaling pathway. It can act both as a transcriptional activator and as a transcriptional repressor, depending on its proteolytic processing and cellular context. Precise regulation of GLI3 activity is essential for normal morphogenesis and tissue differentiation, specially for embryonic development of the limbs, craniofacial structures, and central nervous system. The variant NM_000168.6:c.4016dup is predicted to cause a shift in the reading frame starting at codon 1341, replacing the glycine at this position with an arginine and introducing a premature termination codon nine codons downstream, NP_000159.3:p.(Gly1341ArgfsTer9). This results in an altered C-terminal protein sequence and a truncated GLI3 protein. Analysis of the effect of this variant with NMDEscape and AutoPVS1 predictors indicate that mutant mRNA would escape nonsense mediated decay. Frameshift variants that predict truncation in the final third of the gene (carboxy-terminal) cause loss of the transactivation domains and are known to cause GLI3 associated Greig Cephalopolysyndactyly Syndrome. For this reason, PVS1 criterion was not downgraded as suggested by ClinGen general specifications but was applied with full strength (PVS1). It has not been previously reported in population databases (absent in GnomAD), variant databases (ClinVar, HGMD, LOVD, OMIM) or the literature; (PM2_supp). In summary, the available evidence supports the classification of this variant as Likely pathogenic (PM2_supporting, PVS1) according to ACMG criteria and the recommendations of the ClinGen Sequence Variant Interpretation Working Group (SVI WG).